The following is an entry in ClinVar:

ClinVar aggregate classification (germline): Likely benign. Review status: criteria provided, single submitter (1 of 4 stars). 2 submissions from 2 submitters: Likely benign (1). 1 of the submissions does not count toward it. Last evaluated 2024-01-08.

Conditions:
IFT172-related disorder. Also called: IFT172-related disorders; IFT172-related condition.
Retinitis pigmentosa 71 (RP71). Identifiers: Orphanet 791, MedGen C4225342, MONDO:0014618, OMIM 616394.
Short-rib thoracic dysplasia 10 with or without polydactyly (SRTD10). Identifiers: Orphanet 474, MedGen C3810175, MONDO:0014284, OMIM 615630.

Submissions (2):

Labcorp Genetics (formerly Invitae), Labcorp
Classification: Likely benign for Retinitis pigmentosa 71; Short-rib thoracic dysplasia 10 with or without polydactyly. Last evaluated: 2024-01-08. Review status: criteria provided, single submitter. Criteria: Invitae Variant Classification Sherloc (09022015). Collection method: clinical testing. Allele origin: germline.

PreventionGenetics, part of Exact Sciences
Classification: Likely benign for IFT172-related condition. Last evaluated: 2021-12-08. Review status: no assertion criteria provided. Collection method: clinical testing. Allele origin: germline. Not counted in ClinVar's aggregate classification.
Comment: This variant is classified as likely benign based on ACMG/AMP sequence variant interpretation guidelines (Richards et al. 2015 PMID: 25741868, with internal and published modifications).

NM_015662.3(IFT172):c.2685G>A (p.Gln895=)

Genes: IFT172 (intraflagellar transport 172; minus strand), LOC126806174 (CDK7 strongly-dependent group 2 enhancer GRCh37_chr2:27681686-27682885; plus strand). Cytogenetic location: 2p23.3.
Variant type: single nucleotide variant.
Coding change: c.2685G>A on transcript NM_015662.3 (MANE Select); coding-DNA position 2685, G replaced by A.
Protein change: p.Gln895=; no amino-acid change (glutamine 895 retained).
Molecular consequence: synonymous variant.
Genome position (GRCh38, 1-based): chr2:27,459,480, C>T on the plus strand (G>A on the coding strand, the complement: IFT172 is on the minus strand). VCF-style: chr2-27459480-C-T. GRCh37 (hg19) VCF-style: chr2-27682347-C-T.
Other names: c.2619G>A, p.Gln873= (NM_001410739.1); c.2685G>A (NM_015662.2).
Identifiers: ClinVar variation 1986976 (VCV001986976.5), dbSNP rs1666452591, ClinGen allele CA425405345.